The following is an entry in ClinVar:

NM_001374828.1(ARID1B):c.3602C>T (p.Thr1201Ile)

Gene: ARID1B (AT-rich interaction domain 1B; plus strand). Cytogenetic location: 6q25.3.
Variant type: single nucleotide variant.
Coding change: c.3602C>T on transcript NM_001374828.1 (MANE Select); coding-DNA position 3602, C replaced by T.
Protein change: p.Thr1201Ile; replaces threonine 1201 with isoleucine.
Molecular consequence: missense variant.
Genome position (GRCh38, 1-based): chr6:157,181,066, C>T. VCF-style: chr6-157181066-C-T. GRCh37 (hg19) VCF-style: chr6-157502200-C-T.
Other names: c.1103C>T, p.Thr368Ile (NM_001363725.2); c.3482C>T, p.Thr1161Ile (NM_001371656.1, NM_001374820.1); c.3443C>T, p.Thr1148Ile (NM_017519.3); c.3233C>T (NM_020732.3); short protein forms T1148I, T1161I, T1201I, T368I.
Identifiers: ClinVar variation 3899096 (VCV003899096.2).
Genomic context (GRCh38, chr6:157,181,066, plus strand): 5'-CGAAGGTGTACGAGCTGGGGAATGAGCCAGAGAGAAAGCTCTGGGTCGACCGATACCTCA[C>T]CTTCATGGAAGAGAGAGGCTCTCCTGTCTCAAGTCTGCCTGCCGTGGGCAAGAAGCCCCT-3'
Protein context (NP_001361757.1, residues 1191-1211): ERKLWVDRYL[Thr1201Ile]FMEERGSPVS

ClinVar aggregate classification (germline): Uncertain significance (1 of 4 stars; one submission).

Submission:

GeneDx
Classification: Uncertain significance. Last evaluated: 2025-07-31. Review status: criteria provided, single submitter. Criteria: GeneDx Variant Classification Process June 2021. Collection method: clinical testing. Allele origin: germline.
Comment: Not observed at significant frequency in large population cohorts (gnomAD); In silico analysis supports that this missense variant has a deleterious effect on protein structure/function; Has not been previously published as pathogenic or benign to our knowledge